The following is an entry in ClinVar:

ClinVar aggregate classification (germline): Uncertain significance (1 of 4 stars; one submission).

Conditions:
TRPC6-related disorder. Also called: TRPC6-related condition.

Allele frequency attached by ClinVar (database versions not stated): gnomAD exomes 0.00001.
gnomAD v4.1: 9 of 1,580,174 alleles (0.00057%); highest among the groups gnomAD compares: Non-Finnish European, 0.00077%; no homozygotes.

Submission:

PreventionGenetics, part of Exact Sciences
Classification: Uncertain significance for TRPC6-related condition. Last evaluated: 2023-07-10. Review status: criteria provided, single submitter. Criteria: ACMG Guidelines, 2015. Collection method: clinical testing. Allele origin: germline.
Comment: The TRPC6 c.91T>C variant is predicted to result in the amino acid substitution p.Tyr31His. To our knowledge, this variant has not been reported in the literature or in a large population database, indicating this variant is rare. At this time, the clinical significance of this variant is uncertain due to the absence of conclusive functional and genetic evidence.

NM_004621.6(TRPC6):c.91T>C (p.Tyr31His)

Gene: TRPC6 (transient receptor potential cation channel subfamily C member 6; minus strand). Cytogenetic location: 11q22.1.
Variant type: single nucleotide variant.
Coding change: c.91T>C on transcript NM_004621.6 (MANE Select); coding-DNA position 91, T replaced by C.
Protein change: p.Tyr31His; replaces tyrosine 31 with histidine.
Molecular consequence: missense variant.
Genome position (GRCh38, 1-based): chr11:101,583,413, A>G on the plus strand (T>C on the coding strand, the complement: TRPC6 is on the minus strand). VCF-style: chr11-101583413-A-G. GRCh37 (hg19) VCF-style: chr11-101454144-A-G.
Other names: short protein forms Y31H.
Identifiers: ClinVar variation 2631537 (VCV002631537.1), dbSNP rs2496462989, ClinGen allele CA382444089.